The following is an entry in ClinVar:

NM_052872.4(IL17F):c.200G>A (p.Arg67His)

Gene: IL17F (interleukin 17F; minus strand). Cytogenetic location: 6p12.2.
Variant type: single nucleotide variant.
Coding change: c.200G>A on transcript NM_052872.4 (MANE Select); coding-DNA position 200, G replaced by A.
Protein change: p.Arg67His; replaces arginine 67 with histidine.
Molecular consequence: missense variant.
Genome position (GRCh38, 1-based): chr6:52,238,784, C>T on the plus strand (G>A on the coding strand, the complement: IL17F is on the minus strand). VCF-style: chr6-52238784-C-T. GRCh37 (hg19) VCF-style: chr6-52103582-C-T.
Other names: short protein forms R67H.
Identifiers: ClinVar variation 908518 (VCV000908518.10), dbSNP rs1235526621, ClinGen allele CA364444967.

ClinVar aggregate classification (germline): Uncertain significance. Review status: criteria provided, multiple submitters, no conflicts (2 of 4 stars). 2 submissions from 2 submitters: Uncertain significance (2). Last evaluated 2025-09-19.

Conditions:
Candidiasis, familial, 6 (CANDF6). Also called: Candidiasis, familial, 6, autosomal dominant. Identifiers: Orphanet 1334, MedGen C3151405, MONDO:0013503, OMIM 613956.

Allele frequency attached by ClinVar (database versions not stated): gnomAD 0.00001; gnomAD exomes 0.00001 and 0.00002; TOPMed 0.00001.

Submissions (2):

Labcorp Genetics (formerly Invitae), Labcorp
Classification: Uncertain significance for Candidiasis, familial, 6. Last evaluated: 2025-09-19. Review status: criteria provided, single submitter. Criteria: Invitae Variant Classification Sherloc (09022015). Collection method: clinical testing. Allele origin: germline.
Comment: This sequence change replaces arginine, which is basic and polar, with histidine, which is basic and polar, at codon 67 of the IL17F protein (p.Arg67His). This variant is present in population databases (no rsID available, gnomAD 0.009%). This variant has not been reported in the literature in individuals affected with IL17F-related conditions. ClinVar contains an entry for this variant (Variation ID: 908518). An algorithm developed to predict the effect of missense changes on protein structure and function (PolyPhen-2) suggests that this variant is likely to be tolerated. In summary, the available evidence is currently insufficient to determine the role of this variant in disease. Therefore, it has been classified as a Variant of Uncertain Significance.

Illumina Laboratory Services, Illumina
Classification: Uncertain significance for Candidiasis, familial, 6. Last evaluated: 2017-04-27. Review status: criteria provided, single submitter. Criteria: ICSL Variant Classification Criteria 13 December 2019. Collection method: clinical testing. Allele origin: germline.